The following is an entry in ClinVar:

NM_001384474.1(LOXHD1):c.740del (p.Ala247fs)

Gene: LOXHD1 (lipoxygenase homology PLAT domains 1; minus strand). Cytogenetic location: 18q21.1.
Variant type: Deletion.
Coding change: c.740del on transcript NM_001384474.1 (MANE Select); coding-DNA position 740, one base deleted (C; older notation c.740delC).
Protein change: p.Ala247fs; shifts the reading frame from alanine 247.
Molecular consequence: frameshift variant.
Genome position (GRCh38, 1-based): chr18:46,610,795, G deleted on the plus strand (C on the coding strand, the reverse complement: LOXHD1 is on the minus strand). VCF-style (leftmost placement, unchanged base first): chr18-46610794-TG-T. GRCh37 (hg19) VCF-style: chr18-44190757-TG-T.
Other names: c.740del, p.Ala247fs (NM_144612.7); short protein forms A247fs.
Identifiers: ClinVar variation 2793687 (VCV002793687.3), dbSNP rs2511969825, ClinGen allele CA2739268663.
Genomic context (GRCh38, chr18:46,610,794, plus strand): 5'-CTTCCAAGGCCACAGGGACTGCAGAGAAGCAGCTGAACTCACCTGGGACAGGAACCAACC[TG>T]CAGAGCCCCCCTTATTGTTGTGGCCAACATTGATCTTCATCAGCTGCCCCAAATCCGGGG-3'

ClinVar aggregate classification (germline): Pathogenic (1 of 4 stars; one submission).

Submission:

Labcorp Genetics (formerly Invitae), Labcorp
Classification: Pathogenic. Last evaluated: 2023-07-17. Review status: criteria provided, single submitter. Criteria: Invitae Variant Classification Sherloc (09022015). Collection method: clinical testing. Allele origin: germline.
Comment: This variant has not been reported in the literature in individuals affected with LOXHD1-related conditions. For these reasons, this variant has been classified as Pathogenic. This variant is not present in population databases (gnomAD no frequency). This sequence change creates a premature translational stop signal (p.Ala247Glufs*8) in the LOXHD1 gene. It is expected to result in an absent or disrupted protein product. Loss-of-function variants in LOXHD1 are known to be pathogenic (PMID: 19732867, 21465660, 25792669).

Literature cited by the submitters: PubMed 19732867; PubMed 21465660; PubMed 25792669.